The following is an entry in ClinVar:

ClinVar aggregate classification (germline): Conflicting classifications of pathogenicity. Review status: criteria provided, conflicting classifications (1 of 4 stars). 3 submissions from 3 submitters: Uncertain significance (2); Likely benign (1). Last evaluated 2025-04-11.

Conditions:
Cardiovascular phenotype. Identifiers: MedGen CN230736.
Cardiomyopathy (CMYO). Also called: Cardiomyopathies. Identifiers: Orphanet 167848, MedGen C0878544, MONDO:0004994, HP:0001638. Inheritance: Various modes of inheritance.
Catecholaminergic polymorphic ventricular tachycardia 1. Also called: RYR2-Related Catecholaminergic Polymorphic Ventricular Tachycardia; VENTRICULAR TACHYCARDIA, CATECHOLAMINERGIC POLYMORPHIC, 1, WITH OR WITHOUT ATRIAL DYSFUNCTION AND/OR DILATED CARDIOMYOPATHY; VENTRICULAR TACHYCARDIA, STRESS-INDUCED POLYMORPHIC 1. Identifiers: Orphanet 3286, MedGen C1631597, MONDO:0011484, OMIM 604772.

Allele frequency attached by ClinVar (database versions not stated): ExAC 0.00001; gnomAD 0.00001; gnomAD exomes 0.00001 and 0.00002; TOPMed 0.00002.
gnomAD v4.1: 16 of 1,608,594 alleles (0.00099%); highest among the groups gnomAD compares: Admixed American, 0.0067%; no homozygotes.

Submissions (3):

Labcorp Genetics (formerly Invitae), Labcorp
Classification: Likely benign for Catecholaminergic polymorphic ventricular tachycardia 1. Last evaluated: 2025-04-11. Review status: criteria provided, single submitter. Criteria: Invitae Variant Classification Sherloc (09022015). Collection method: clinical testing. Allele origin: germline.

Color Diagnostics, LLC DBA Color Health
Classification: Uncertain significance for Cardiomyopathy. Last evaluated: 2023-12-05. Review status: criteria provided, single submitter. Criteria: ACMG Guidelines, 2015. Collection method: clinical testing. Allele origin: germline.
Comment: This missense variant replaces valine with isoleucine at codon 2967 of the RYR2 protein. Computational prediction tools and conservation analyses suggest that this variant may have deleterious impact on the protein function. Computational splicing tools suggest that this variant may not impact RNA splicing. To our knowledge, functional assays have not been performed for this variant nor has this variant been reported in individuals affected with cardiovascular disorders in the literature. This variant has been identified in 7/278352 chromosomes in the general population by the Genome Aggregation Database (gnomAD). Available evidence is insufficient to determine the role of this variant in disease conclusively. Therefore, this variant is classified as a Variant of Uncertain Significance.

Ambry Genetics
Classification: Uncertain significance for Cardiovascular phenotype. Last evaluated: 2021-05-07. Review status: criteria provided, single submitter. Criteria: Ambry Variant Classification Scheme 2023. Collection method: clinical testing. Allele origin: germline.
Comment: The p.V2967I variant (also known as c.8899G>A), located in coding exon 62 of the RYR2 gene, results from a G to A substitution at nucleotide position 8899. The valine at codon 2967 is replaced by isoleucine, an amino acid with highly similar properties. This amino acid position is well conserved in available vertebrate species. In addition, this alteration is predicted to be tolerated by in silico analysis. Since supporting evidence is limited at this time, the clinical significance of this alteration remains unclear.

NM_001035.3(RYR2):c.8899G>A (p.Val2967Ile)

Gene: RYR2 (ryanodine receptor 2; plus strand). Cytogenetic location: 1q43.
Variant type: single nucleotide variant.
Coding change: c.8899G>A on transcript NM_001035.3 (MANE Select); coding-DNA position 8899, G replaced by A.
Protein change: p.Val2967Ile; replaces valine 2967 with isoleucine.
Molecular consequence: missense variant.
Genome position (GRCh38, 1-based): chr1:237,680,459, G>A. VCF-style: chr1-237680459-G-A. GRCh37 (hg19) VCF-style: chr1-237843759-G-A.
Other names: c.8899G>A, p.Val2967Ile (LRG_402t1); short protein forms V2967I.
Identifiers: ClinVar variation 519386 (VCV000519386.22), dbSNP rs751546090, ClinGen allele CA087785.